The following is an entry in ClinVar:

NM_001845.6(COL4A1):c.3506-1G>A

Gene: COL4A1 (collagen type IV alpha 1 chain; minus strand). Cytogenetic location: 13q34.
Variant type: single nucleotide variant.
Coding change: c.3506-1G>A on transcript NM_001845.6 (MANE Select); the canonical splice acceptor site of the intron before coding-DNA position 3506, G replaced by A.
Molecular consequence: splice acceptor variant.
Genome position (GRCh38, 1-based): chr13:110,172,771, C>T on the plus strand (G>A on the coding strand, the complement: COL4A1 is on the minus strand). VCF-style: chr13-110172771-C-T. GRCh37 (hg19) VCF-style: chr13-110825118-C-T.
Identifiers: ClinVar variation 3650927 (VCV003650927.2).

ClinVar aggregate classification (germline): Pathogenic (1 of 4 stars; one submission).

Submission:

Labcorp Genetics (formerly Invitae), Labcorp
Classification: Pathogenic. Last evaluated: 2024-10-17. Review status: criteria provided, single submitter. Criteria: Invitae Variant Classification Sherloc (09022015). Collection method: clinical testing. Allele origin: germline.
Comment: This sequence change affects an acceptor splice site in intron 40 of the COL4A1 gene. It is expected to disrupt RNA splicing. Variants that disrupt the donor or acceptor splice site typically lead to a loss of protein function (PMID: 16199547), and loss-of-function variants in COL4A1 are known to be pathogenic (PMID: 23225343). This variant is not present in population databases (gnomAD no frequency). This variant has not been reported in the literature in individuals affected with COL4A1-related conditions. Algorithms developed to predict the effect of variants on gene product structure and function are not available or were not evaluated for this variant. Experimental studies have shown that disruption of this splice site affects COL4A1 function (PMID: 26813606). Algorithms developed to predict the effect of sequence changes on RNA splicing suggest that this variant may disrupt the consensus splice site. For these reasons, this variant has been classified as Pathogenic.

Literature cited by the submitters: PubMed 16199547; PubMed 23225343; PubMed 26813606.